The following is an entry in ClinVar:

ClinVar aggregate classification (germline): Uncertain significance (1 of 4 stars; one submission).

Allele frequency attached by ClinVar (database versions not stated): ExAC 0.00011; gnomAD exomes 0.00011; gnomAD 0.00036; TOPMed 0.00038; ESP Exome Variant Server 0.00039; 1000 Genomes Project 0.00120; 1000 Genomes Project 30x 0.00125.
gnomAD v4.1: 145 of 1,608,472 alleles (0.009%); highest among the groups gnomAD compares: African/African-American, 0.13%; no homozygotes.

Submission:

Labcorp Genetics (formerly Invitae), Labcorp
Classification: Uncertain significance. Last evaluated: 2024-07-01. Review status: criteria provided, single submitter. Criteria: Invitae Variant Classification Sherloc (09022015). Collection method: clinical testing. Allele origin: germline.
Comment: This sequence change replaces arginine with tryptophan at codon 65 of the DDRGK1 protein (p.Arg65Trp). The arginine residue is highly conserved and there is a moderate physicochemical difference between arginine and tryptophan. This variant is present in population databases (rs145917479, gnomAD 0.1%). This variant has not been reported in the literature in individuals affected with DDRGK1-related conditions. ClinVar contains an entry for this variant (Variation ID: 1403168). An algorithm developed to predict the effect of missense changes on protein structure and function (PolyPhen-2) suggests that this variant is likely to be disruptive. In summary, the available evidence is currently insufficient to determine the role of this variant in disease. Therefore, it has been classified as a Variant of Uncertain Significance.

NM_023935.3(DDRGK1):c.193C>T (p.Arg65Trp)

Gene: DDRGK1 (DDRGK domain containing 1; minus strand). Cytogenetic location: 20p13.
Variant type: single nucleotide variant.
Coding change: c.193C>T on transcript NM_023935.3 (MANE Select); coding-DNA position 193, C replaced by T.
Protein change: p.Arg65Trp; replaces arginine 65 with tryptophan.
Molecular consequence: missense variant.
Genome position (GRCh38, 1-based): chr20:3,203,315, G>A on the plus strand (C>T on the coding strand, the complement: DDRGK1 is on the minus strand). VCF-style: chr20-3203315-G-A. GRCh37 (hg19) VCF-style: chr20-3183961-G-A.
Other names: short protein forms R65W.
Identifiers: ClinVar variation 1403168 (VCV001403168.5), dbSNP rs145917479, ClinGen allele CA9741010.